The following is an entry in ClinVar:

NM_001048174.2(MUTYH):c.1134C>T (p.Ser378=)

Gene: MUTYH (mutY DNA glycosylase; minus strand). Cytogenetic location: 1p34.1.
Variant type: single nucleotide variant.
Coding change: c.1134C>T on transcript NM_001048174.2 (MANE Select); coding-DNA position 1134, C replaced by T.
Protein change: p.Ser378=; no amino-acid change (serine 378 retained).
Molecular consequence: synonymous variant. On other transcripts: non-coding transcript variant (2).
Genome position (GRCh38, 1-based): chr1:45,331,525, G>A on the plus strand (C>T on the coding strand, the complement: MUTYH is on the minus strand). VCF-style: chr1-45331525-G-A. GRCh37 (hg19) VCF-style: chr1-45797197-G-A.
Other names: c.1134C>T, p.Ser378= (NM_001048171.2, NM_001048173.2, NM_001293195.2); c.1137C>T, p.Ser379= (NM_001048172.2); c.1218C>T, p.Ser406= (NM_001128425.2); c.1179C>T, p.Ser393= (NM_001293190.2); c.1167C>T, p.Ser389= (NM_001293191.2); c.858C>T, p.Ser286= (NM_001293192.2, NM_001293196.2); c.789C>T, p.Ser263= (NM_001350650.2, NM_001350651.2); c.1209C>T, p.Ser403= (NM_012222.3).
Identifiers: ClinVar variation 439220 (VCV000439220.39), dbSNP rs759460243, ClinGen allele CA055491.

ClinVar aggregate classification (germline): Likely benign. Review status: criteria provided, multiple submitters, no conflicts (2 of 4 stars). 10 submissions from 10 submitters: Likely benign (10). Last evaluated 2026-09-01.

Conditions:
MUTYH-related disorder. Also called: MUTYH-related disorders; MUTYH-related condition.
Hereditary cancer-predisposing syndrome. Also called: Hereditary neoplastic syndrome; Tumor predisposition; Neoplastic Syndromes, Hereditary; Hereditary Cancer Syndrome. Identifiers: Orphanet 140162, MedGen C0027672, MeSH D009386, MONDO:0015356.
Familial adenomatous polyposis 2. Also called: COLORECTAL ADENOMATOUS POLYPOSIS, AUTOSOMAL RECESSIVE; FAP type 2; ADENOMAS, MULTIPLE COLORECTAL, AUTOSOMAL RECESSIVE; MUTYH-related attenuated familial adenomatous polyposis; MUTYH Polyposis; MYH-associated polyposis. Identifiers: Orphanet 220460, Orphanet 247798, MedGen C3272841, MONDO:0012041, OMIM 608456.

Allele frequency attached by ClinVar (database versions not stated): TOPMed below 0.00001; gnomAD 0.00001; ExAC 0.00002; gnomAD exomes 0.00002.

Submissions (10):

CeGaT Center for Human Genetics Tuebingen
Classification: Likely benign. Last evaluated: 2026-09-01. Review status: criteria provided, single submitter. Criteria: CeGaT Center For Human Genetics Tuebingen Variant Classification Criteria Version 2. Collection method: clinical testing. Allele origin: germline. Affected: yes. Observed: 2 variant alleles.
Comment: MUTYH: BP4, BP7

Labcorp Genetics (formerly Invitae), Labcorp
Classification: Likely benign for Familial adenomatous polyposis 2. Last evaluated: 2025-09-20. Review status: criteria provided, single submitter. Criteria: Invitae Variant Classification Sherloc (09022015). Collection method: clinical testing. Allele origin: germline.

PreventionGenetics, part of Exact Sciences
Classification: Likely benign for MUTYH-related condition. Last evaluated: 2025-03-11. Review status: criteria provided, single submitter. Criteria: ACMG Guidelines, 2015. Collection method: clinical testing. Allele origin: germline.
Comment: This variant is classified as likely benign based on ACMG/AMP sequence variant interpretation guidelines (Richards et al. 2015 PMID: 25741868, with internal and published modifications).

Center for Genomic Medicine, Rigshospitalet, Copenhagen University Hospital
Classification: Likely benign. Last evaluated: 2025-03-04. Review status: criteria provided, single submitter. Criteria: ACMG Guidelines, 2015. Collection method: clinical testing. Allele origin: germline.

All of Us Research Program, National Institutes of Health
Classification: Likely benign for Familial adenomatous polyposis 2. Last evaluated: 2023-11-02. Review status: criteria provided, single submitter. Criteria: ACMG Guidelines, 2015. Collection method: clinical testing. Allele origin: germline. Inheritance: Autosomal recessive inheritance. Observed: 6 variant alleles, 6 heterozygotes.
Comment: This study involves interpretation of variants in research participants for the purpose of population health screening. Participant phenotype was not available at the time of variant classification. Additional details can be found in publication PMID: 35346344, PMCID: PMC8962531

Quest Diagnostics Nichols Institute San Juan Capistrano
Classification: Likely benign. Last evaluated: 2021-05-03. Review status: criteria provided, single submitter. Criteria: Quest Diagnostics criteria. Collection method: clinical testing. Allele origin: unknown.

Women's Health and Genetics/Laboratory Corporation of America, LabCorp
Classification: Likely benign. Last evaluated: 2020-07-30. Review status: criteria provided, single submitter. Criteria: LabCorp Variant Classification Summary - May 2015. Collection method: clinical testing. Allele origin: germline.

GeneDx
Classification: Likely benign. Last evaluated: 2019-07-31. Review status: criteria provided, single submitter. Criteria: GeneDx Variant Classification Process June 2021. Collection method: clinical testing. Allele origin: germline. Affected: yes.

Color Diagnostics, LLC DBA Color Health
Classification: Likely benign for Hereditary cancer-predisposing syndrome. Last evaluated: 2017-02-28. Review status: criteria provided, single submitter. Criteria: ACMG Guidelines, 2015. Collection method: clinical testing. Allele origin: germline.

Ambry Genetics
Classification: Likely benign for Hereditary cancer-predisposing syndrome. Last evaluated: 2015-05-20. Review status: criteria provided, single submitter. Criteria: Ambry Variant Classification Scheme 2023. Collection method: clinical testing. Allele origin: germline.